The following is an entry in ClinVar:

NM_000466.3(PEX1):c.851A>G (p.Asp284Gly)

Gene: PEX1 (peroxisomal biogenesis factor 1; minus strand). Cytogenetic location: 7q21.2.
Variant type: single nucleotide variant.
Coding change: c.851A>G on transcript NM_000466.3 (MANE Select); coding-DNA position 851, A replaced by G.
Protein change: p.Asp284Gly; replaces aspartic acid 284 with glycine.
Molecular consequence: missense variant.
Genome position (GRCh38, 1-based): chr7:92,517,664, T>C on the plus strand (A>G on the coding strand, the complement: PEX1 is on the minus strand). VCF-style: chr7-92517664-T-C. GRCh37 (hg19) VCF-style: chr7-92146978-T-C.
Other names: c.851A>G, p.Asp284Gly (NM_001282677.2); c.227A>G, p.Asp76Gly (NM_001282678.2); short protein forms D76G, D284G.
Identifiers: ClinVar variation 2181231 (VCV002181231.4), dbSNP rs745421141, ClinGen allele CA161973600.

ClinVar aggregate classification (germline): Uncertain significance (1 of 4 stars; one submission).

Conditions:
Zellweger spectrum disorders (ZS). Also called: Zellweger Spectrum Disorder; Zellweger Spectrum; Zellweger syndrome; Zellweger Spectrum Disorder (ZSD). Identifiers: Orphanet 912, MedGen C0043459, MONDO:0019609.

Allele frequency attached by ClinVar (database versions not stated): gnomAD 0.00001.
gnomAD v4.1: 1 of 1,613,888 alleles (0.000062%); highest among the groups gnomAD compares: South Asian, 0.0011%; no homozygotes.

Submission:

Labcorp Genetics (formerly Invitae), Labcorp
Classification: Uncertain significance for Zellweger spectrum disorders. Last evaluated: 2025-08-21. Review status: criteria provided, single submitter. Criteria: Invitae Variant Classification Sherloc (09022015). Collection method: clinical testing. Allele origin: germline.
Comment: This sequence change replaces aspartic acid, which is acidic and polar, with glycine, which is neutral and non-polar, at codon 284 of the PEX1 protein (p.Asp284Gly). This variant is not present in population databases (gnomAD no frequency). This variant has not been reported in the literature in individuals affected with PEX1-related conditions. ClinVar contains an entry for this variant (Variation ID: 2181231). Invitae Evidence Modeling of protein sequence and biophysical properties (such as structural, functional, and spatial information, amino acid conservation, physicochemical variation, residue mobility, and thermodynamic stability) indicates that this missense variant is not expected to disrupt PEX1 protein function with a negative predictive value of 95%. In summary, the available evidence is currently insufficient to determine the role of this variant in disease. Therefore, it has been classified as a Variant of Uncertain Significance.